The following is an entry in ClinVar:

NM_033026.6(PCLO):c.6966T>A (p.Asp2322Glu)

Gene: PCLO (piccolo presynaptic cytomatrix protein; minus strand). Cytogenetic location: 7q21.11.
Variant type: single nucleotide variant.
Coding change: c.6966T>A on transcript NM_033026.6 (MANE Select); coding-DNA position 6966, T replaced by A.
Protein change: p.Asp2322Glu; replaces aspartic acid 2322 with glutamic acid.
Molecular consequence: missense variant.
Genome position (GRCh38, 1-based): chr7:82,953,987, A>T on the plus strand (T>A on the coding strand, the complement: PCLO is on the minus strand). VCF-style: chr7-82953987-A-T. GRCh37 (hg19) VCF-style: chr7-82583303-A-T.
Other names: c.6966T>A, p.Asp2322Glu (NM_014510.3); short protein forms D2322E.
Identifiers: ClinVar variation 1424847 (VCV001424847.5), dbSNP rs1264370955, ClinGen allele CA367917977.

ClinVar aggregate classification (germline): Uncertain significance (1 of 4 stars; one submission).

Allele frequency attached by ClinVar (database versions not stated): gnomAD exomes below 0.00001; gnomAD 0.00001; TOPMed 0.00002.
gnomAD v4.1: 7 of 1,613,758 alleles (0.00043%); highest among the groups gnomAD compares: Non-Finnish European, 0.00017%; no homozygotes.

Submission:

Labcorp Genetics (formerly Invitae), Labcorp
Classification: Uncertain significance. Last evaluated: 2021-09-24. Review status: criteria provided, single submitter. Criteria: Invitae Variant Classification Sherloc (09022015). Collection method: clinical testing. Allele origin: germline.
Comment: This sequence change replaces aspartic acid with glutamic acid at codon 2322 of the PCLO protein (p.Asp2322Glu). The aspartic acid residue is moderately conserved and there is a small physicochemical difference between aspartic acid and glutamic acid. This variant is not present in population databases (ExAC no frequency). This variant has not been reported in the literature in individuals with PCLO-related conditions. Algorithms developed to predict the effect of missense changes on protein structure and function output the following: SIFT: "Tolerated"; PolyPhen-2: "Not Available"; Align-GVGD: "Class C0". The glutamic acid amino acid residue is found in multiple mammalian species, suggesting that this missense change does not adversely affect protein function. These predictions have not been confirmed by published functional studies and their clinical significance is uncertain. In summary, the available evidence is currently insufficient to determine the role of this variant in disease. Therefore, it has been classified as a Variant of Uncertain Significance.